The following is an entry in ClinVar:

ClinVar aggregate classification (germline): Uncertain significance (1 of 4 stars; one submission).

Submission:

Ambry Genetics
Classification: Uncertain significance. Last evaluated: 2024-08-01. Review status: criteria provided, single submitter. Criteria: Ambry Variant Classification Scheme 2023. Collection method: clinical testing. Allele origin: germline.
Comment: The p.K413I variant (also known as c.1238A>T), located in coding exon 8 of the IDH1 gene, results from an A to T substitution at nucleotide position 1238. The lysine at codon 413 is replaced by isoleucine, an amino acid with dissimilar properties. This amino acid position is conserved. In addition, the in silico prediction for this alteration is inconclusive. Based on the available evidence, the clinical significance of this variant remains unclear.

NM_005896.4(IDH1):c.1238A>T (p.Lys413Ile)

Gene: IDH1 (isocitrate dehydrogenase (NADP(+)) 1; minus strand). Cytogenetic location: 2q34.
Variant type: single nucleotide variant.
Coding change: c.1238A>T on transcript NM_005896.4 (MANE Select); coding-DNA position 1238, A replaced by T.
Protein change: p.Lys413Ile; replaces lysine 413 with isoleucine.
Molecular consequence: missense variant.
Genome position (GRCh38, 1-based): chr2:208,237,086, T>A on the plus strand (A>T on the coding strand, the complement: IDH1 is on the minus strand). VCF-style: chr2-208237086-T-A. GRCh37 (hg19) VCF-style: chr2-209101810-T-A.
Other names: c.1238A>T, p.Lys413Ile (NM_001282386.1, NM_001282387.1); short protein forms K413I.
Identifiers: ClinVar variation 3527506 (VCV003527506.1).
Genomic context (GRCh38, chr2:208,237,086, plus strand): 5'-CCTGTAGACCTAGTTACCAAAAGACAATTATCCTTCTTAGCTCAGGTATGAACTTAAAGT[T>A]TGGCCTGAGCTAGTTTGATCTTCAAGTTTTCTCCAAGTTTATCCATGAACTCAAATGTAT-3'
Protein context (NP_005887.2, residues 403-414): ENLKIKLAQA[Lys413Ile]L